The following is an entry in ClinVar:

NM_177438.3(DICER1):c.2210C>T (p.Pro737Leu)

Gene: DICER1 (dicer 1, ribonuclease III; minus strand). Cytogenetic location: 14q32.13.
Variant type: single nucleotide variant.
Coding change: c.2210C>T on transcript NM_177438.3 (MANE Select); coding-DNA position 2210, C replaced by T.
Protein change: p.Pro737Leu; replaces proline 737 with leucine.
Molecular consequence: missense variant.
Genome position (GRCh38, 1-based): chr14:95,111,363, G>A on the plus strand (C>T on the coding strand, the complement: DICER1 is on the minus strand). VCF-style: chr14-95111363-G-A. GRCh37 (hg19) VCF-style: chr14-95577700-G-A.
Other names: c.2210C>T, p.Pro737Leu (NM_001195573.1, NM_001271282.3, NM_001291628.2 and 1 more transcripts); short protein forms P737L.
Identifiers: ClinVar variation 644692 (VCV000644692.14), dbSNP rs1595391071, ClinGen allele CA390882594.

ClinVar aggregate classification (germline): Uncertain significance. Review status: criteria provided, multiple submitters, no conflicts (2 of 4 stars). 3 submissions from 3 submitters: Uncertain significance (3). Last evaluated 2025-09-27.

Conditions:
Euthyroid goiter (MNG1). Also called: MULTINODULAR GOITER, ADOLESCENT; SIMPLE GOITER; Goiter, multinodular 1, with or without Sertoli-Leydig cell tumors; GOITER, NONTOXIC, WITH INTRATHYROIDAL CALCIFICATION. Identifiers: Orphanet 276399, MedGen C0302859, MONDO:0007681, OMIM 138800, HP:0009798.
Rhabdomyosarcoma, embryonal, 2 (RMSE2). Identifiers: MedGen C1867234, MONDO:0859046, OMIM 180295.
Global developmental delay - lung cysts - overgrowth - Wilms tumor syndrome. Also called: GLOW Syndrome; GLOBAL DEVELOPMENTAL DELAY, LUNG CYSTS, OVERGROWTH, AND WILMS TUMOR. Identifiers: Orphanet 404476, MedGen C4748924, MONDO:0018445, OMIM 618272.
Pleuropulmonary blastoma (PPB). Identifiers: Orphanet 64742, MedGen C1266144, MONDO:0011014, OMIM 601200, HP:0100528.
DICER1-related tumor predisposition. Also called: DICER1 syndrome; DICER1-related pleuropulmonary blastoma cancer predisposition syndrome. Identifiers: Orphanet 284343, MedGen C3839822, MONDO:0100216.
Hereditary cancer-predisposing syndrome. Also called: Neoplastic Syndromes, Hereditary; Hereditary Cancer Syndrome; Hereditary neoplastic syndrome; Tumor predisposition. Identifiers: Orphanet 140162, MedGen C0027672, MeSH D009386, MONDO:0015356.

Allele frequency attached by ClinVar (database versions not stated): gnomAD exomes below 0.00001; TOPMed below 0.00001.
gnomAD v4.1: 5 of 1,614,158 alleles (0.00031%); highest among the groups gnomAD compares: Non-Finnish European, 0.00034%; no homozygotes.

Submissions (3):

Labcorp Genetics (formerly Invitae), Labcorp
Classification: Uncertain significance for DICER1-related tumor predisposition. Last evaluated: 2025-09-27. Review status: criteria provided, single submitter. Criteria: Invitae Variant Classification Sherloc (09022015). Collection method: clinical testing. Allele origin: germline.
Comment: This sequence change replaces proline, which is neutral and non-polar, with leucine, which is neutral and non-polar, at codon 737 of the DICER1 protein (p.Pro737Leu). This variant is not present in population databases (gnomAD no frequency). This variant has not been reported in the literature in individuals affected with DICER1-related conditions. ClinVar contains an entry for this variant (Variation ID: 644692). Invitae Evidence Modeling of protein sequence and biophysical properties (such as structural, functional, and spatial information, amino acid conservation, physicochemical variation, residue mobility, and thermodynamic stability) indicates that this missense variant is not expected to disrupt DICER1 protein function with a negative predictive value of 95%. In summary, the available evidence is currently insufficient to determine the role of this variant in disease. Therefore, it has been classified as a Variant of Uncertain Significance.

Ambry Genetics
Classification: Uncertain significance for Hereditary cancer-predisposing syndrome. Last evaluated: 2024-12-10. Review status: criteria provided, single submitter. Criteria: Ambry Variant Classification Scheme 2023. Collection method: clinical testing. Allele origin: germline.
Comment: The p.P737L variant (also known as c.2210C>T), located in coding exon 13 of the DICER1 gene, results from a C to T substitution at nucleotide position 2210. The proline at codon 737 is replaced by leucine, an amino acid with similar properties. This amino acid position is highly conserved in available vertebrate species. In addition, this alteration is predicted to be tolerated by in silico analysis. Since supporting evidence is limited at this time, the clinical significance of this alteration remains unclear.

Fulgent Genetics
Classification: Uncertain significance for Euthyroid goiter; Rhabdomyosarcoma, embryonal, 2; Pleuropulmonary blastoma; Global developmental delay - lung cysts - overgrowth - Wilms tumor syndrome. Last evaluated: 2022-01-11. Review status: criteria provided, single submitter. Criteria: ACMG Guidelines, 2015. Collection method: clinical testing. Allele origin: unknown.